The following is an entry in ClinVar:

ClinVar aggregate classification (germline): Uncertain significance (1 of 4 stars; one submission).

Conditions:
Hereditary cancer-predisposing syndrome. Also called: Hereditary neoplastic syndrome; Neoplastic Syndromes, Hereditary; Tumor predisposition; Hereditary Cancer Syndrome. Identifiers: Orphanet 140162, MedGen C0027672, MeSH D009386, MONDO:0015356.

Submission:

Ambry Genetics
Classification: Uncertain significance for Hereditary cancer-predisposing syndrome. Last evaluated: 2025-08-27. Review status: criteria provided, single submitter. Criteria: Ambry Variant Classification Scheme 2023. Collection method: clinical testing. Allele origin: germline.
Comment: The p.H200Q variant (also known as c.600C>A), located in coding exon 8 of the MUTYH gene, results from a C to A substitution at nucleotide position 600. The histidine at codon 200 is replaced by glutamine, an amino acid with highly similar properties. This amino acid position is conserved. In addition, this alteration is predicted to be tolerated by in silico analysis. Based on the available evidence, the clinical significance of this variant remains unclear.

NM_001048174.2(MUTYH):c.516C>A (p.His172Gln)

Gene: MUTYH (mutY DNA glycosylase; minus strand). Cytogenetic location: 1p34.1.
Variant type: single nucleotide variant.
Coding change: c.516C>A on transcript NM_001048174.2 (MANE Select); coding-DNA position 516, C replaced by A.
Protein change: p.His172Gln; replaces histidine 172 with glutamine.
Molecular consequence: missense variant. On other transcripts: non-coding transcript variant (7).
Genome position (GRCh38, 1-based): chr1:45,332,664, G>T on the plus strand (C>A on the coding strand, the complement: MUTYH is on the minus strand). VCF-style: chr1-45332664-G-T. GRCh37 (hg19) VCF-style: chr1-45798336-G-T.
Other names: c.516C>A, p.His172Gln (NM_001048171.2, NM_001048173.2, NM_001293195.2 and 6 more transcripts); c.519C>A, p.His173Gln (NM_001048172.2, NM_001407078.1, NM_001407071.1 and 1 more transcripts); c.561C>A, p.His187Gln (NM_001293190.2); c.549C>A, p.His183Gln (NM_001293191.2, NM_001407077.1, NM_001407069.1); c.240C>A, p.His80Gln (NM_001293192.2, NM_001293196.2, NM_001407091.1); c.432C>A, p.His144Gln (NM_001407075.1); c.600C>A, p.His200Gln (NM_001128425.2); c.171C>A, p.His57Gln (NM_001350650.2, NM_001350651.2, NM_001407082.1); and 5 more; short protein forms H173Q, H183Q, H186Q, H187Q, H158Q, H159Q, H80Q, H144Q.
Identifiers: ClinVar variation 4113752 (VCV004113752.1).